The following is an entry in ClinVar:

ClinVar aggregate classification (germline): Uncertain significance. Review status: criteria provided, multiple submitters, no conflicts (2 of 4 stars). 2 submissions from 2 submitters: Uncertain significance (2). Last evaluated 2023-09-15.

Allele frequency attached by ClinVar (database versions not stated): gnomAD exomes below 0.00001 and 0.00002; ExAC 0.00002.
gnomAD v4.1: 5 of 1,614,020 alleles (0.00031%); highest among the groups gnomAD compares: South Asian, 0.0055%; no homozygotes.

Submissions (2):

Ambry Genetics
Classification: Uncertain significance. Last evaluated: 2023-09-15. Review status: criteria provided, single submitter. Criteria: Ambry Variant Classification Scheme 2023. Collection method: clinical testing. Allele origin: germline.
Comment: The p.I469T variant (also known as c.1406T>C), located in coding exon 8 of the GALNT12 gene, results from a T to C substitution at nucleotide position 1406. The isoleucine at codon 469 is replaced by threonine, an amino acid with similar properties. This variant was not reported in population based cohorts in the following databases: Database of Single Nucleotide Polymorphisms (dbSNP), NHLBI Exome Sequencing Project (ESP), and 1000 Genomes Project. In the ESP, this variant was not observed in 6503 samples (13006 alleles) with coverage at this position. This amino acid position is poorly conserved in available vertebrate species. In addition, this alteration is predicted to be tolerated by in silico analysis. Since supporting evidence is limited at this time, the clinical significance of this alteration remains unclear.

Labcorp Genetics (formerly Invitae), Labcorp
Classification: Uncertain significance. Last evaluated: 2022-04-12. Review status: criteria provided, single submitter. Criteria: Invitae Variant Classification Sherloc (09022015). Collection method: clinical testing. Allele origin: germline.
Comment: This variant has not been reported in the literature in individuals affected with GALNT12-related conditions. In summary, the available evidence is currently insufficient to determine the role of this variant in disease. Therefore, it has been classified as a Variant of Uncertain Significance. Algorithms developed to predict the effect of missense changes on protein structure and function (SIFT, PolyPhen-2, Align-GVGD) all suggest that this variant is likely to be tolerated. ClinVar contains an entry for this variant (Variation ID: 1063504). This sequence change replaces isoleucine, which is neutral and non-polar, with threonine, which is neutral and polar, at codon 469 of the GALNT12 protein (p.Ile469Thr). This variant is present in population databases (rs753849573, gnomAD 0.01%).

NM_024642.5(GALNT12):c.1406T>C (p.Ile469Thr)

Gene: GALNT12 (polypeptide N-acetylgalactosaminyltransferase 12; plus strand). Cytogenetic location: 9q22.33.
Variant type: single nucleotide variant.
Coding change: c.1406T>C on transcript NM_024642.5 (MANE Select); coding-DNA position 1406, T replaced by C.
Protein change: p.Ile469Thr; replaces isoleucine 469 with threonine.
Molecular consequence: missense variant.
Genome position (GRCh38, 1-based): chr9:98,844,157, T>C. VCF-style: chr9-98844157-T-C. GRCh37 (hg19) VCF-style: chr9-101606439-T-C.
Other names: short protein forms I469T.
Identifiers: ClinVar variation 1063504 (VCV001063504.11), dbSNP rs753849573, ClinGen allele CA5154264.